The following is an entry in ClinVar:

ClinVar aggregate classification (germline): Uncertain significance (1 of 4 stars; one submission).

Conditions:
Early-infantile DEE. Also called: Ohtahara syndrome; Early infantile epileptic encephalopathy with suppression bursts; Early infantile epileptic encephalopathy. Identifiers: Orphanet 1934, MedGen C0393706, MONDO:0800491.

Submission:

Labcorp Genetics (formerly Invitae), Labcorp
Classification: Uncertain significance for Early-infantile DEE. Last evaluated: 2024-05-15. Review status: criteria provided, single submitter. Criteria: Invitae Variant Classification Sherloc (09022015). Collection method: clinical testing. Allele origin: germline.
Comment: This sequence change falls in intron 20 of the SCN1A gene. It does not directly change the encoded amino acid sequence of the SCN1A protein. However, this sequence change falls within a region encompassing a cryptic exon in the SCN1A gene, in which variants have been shown to alter splicing (PMID: 30526861, 34107977). This variant is not present in population databases (gnomAD no frequency). This variant has not been reported in the literature in individuals affected with SCN1A-related conditions. ClinVar contains an entry for this variant (Variation ID: 2080419). Algorithms developed to predict the effect of sequence changes on RNA splicing suggest that this variant is not likely to affect RNA splicing. In summary, the available evidence is currently insufficient to determine the role of this variant in disease. Therefore, it has been classified as a Variant of Uncertain Significance.

Literature cited by the submitters: PubMed 30526861; PubMed 34107977.

NM_001165963.4(SCN1A):c.4002+2614C>T

Genes: SCN1A (sodium voltage-gated channel alpha subunit 1; minus strand), LOC102724058 (uncharacterized LOC102724058; plus strand). Cytogenetic location: 2q24.3.
Variant type: single nucleotide variant.
Coding change: c.4002+2614C>T on transcript NM_001165963.4 (MANE Select); 2614 bases into the intron after coding-DNA position 4002, C replaced by T.
Molecular consequence: intron variant.
Genome position (GRCh38, 1-based): chr2:166,007,105, G>A on the plus strand (C>T on the coding strand, the complement: SCN1A is on the minus strand). VCF-style: chr2-166007105-G-A. GRCh37 (hg19) VCF-style: chr2-166863615-G-A.
Other names: c.3969+2614C>T (NM_001353949.2, NM_001353950.2, NM_001353951.2 and 2 more transcripts); c.3918+2614C>T (NM_001353958.2, NM_001353957.2, NM_001165964.3); c.4002+2614C>T (NM_001202435.3, NM_001353948.2); c.3966+2614C>T (NM_001353955.2, NM_001353954.2); c.3915+2614C>T (NM_001353960.2); c.1560+2614C>T (NM_001353961.2).
Identifiers: ClinVar variation 2080419 (VCV002080419.4), dbSNP rs2468470184, ClinGen allele CA2580064257.